The following is an entry in ClinVar:

NM_000069.3(CACNA1S):c.2751G>A (p.Val917=)

Gene: CACNA1S (calcium voltage-gated channel subunit alpha1 S; minus strand). Cytogenetic location: 1q32.1.
Variant type: single nucleotide variant.
Coding change: c.2751G>A on transcript NM_000069.3 (MANE Select); coding-DNA position 2751, G replaced by A.
Protein change: p.Val917=; no amino-acid change (valine 917 retained).
Molecular consequence: synonymous variant.
Genome position (GRCh38, 1-based): chr1:201,065,940, C>T on the plus strand (G>A on the coding strand, the complement: CACNA1S is on the minus strand). VCF-style: chr1-201065940-C-T. GRCh37 (hg19) VCF-style: chr1-201035068-C-T.
Identifiers: ClinVar variation 3074133 (VCV003074133.1), dbSNP rs1256855171, ClinGen allele CA422686776.
Genomic context (GRCh38, chr1:201,065,940, plus strand): 5'-GAGGGTAGTGACCAGCACGATGTTCCCGATGGTGCTGATGGCCACGAACATGCACTGCAC[C>T]ACGTGCTGGGGACAGAGGGGCCAATGGGGACTGGGGGTGCACCCACAGTAACCCTGCTAG-3'
Protein context (NP_000060.2, residues 907-927): AINRAKGLKH[Val917=]VQCMFVAIST

ClinVar aggregate classification (germline): Likely benign (1 of 4 stars; one submission).

Conditions:
Malignant hyperthermia, susceptibility to, 5 (MHS5). Also called: CACNA1S-Related Malignant Hyperthermia Susceptibility. Identifiers: Orphanet 423, MedGen C1866077, MONDO:0011163, OMIM 601887.

Allele frequency attached by ClinVar (database versions not stated): TOPMed 0.00001; gnomAD 0.00002.

Submission:

All of Us Research Program, National Institutes of Health
Classification: Likely benign for Malignant hyperthermia, susceptibility to, 5. Last evaluated: 2023-10-23. Review status: criteria provided, single submitter. Criteria: ACMG Guidelines, 2015. Collection method: clinical testing. Allele origin: germline. Inheritance: Autosomal dominant inheritance. Observed: 1 variant allele, 1 heterozygote.
Comment: This study involves interpretation of variants in research participants for the purpose of population health screening. Participant phenotype was not available at the time of variant classification. Additional details can be found in publication PMID: 35346344, PMCID: PMC8962531